The following is an entry in ClinVar:

ClinVar aggregate classification (germline): Conflicting classifications of pathogenicity. Review status: criteria provided, conflicting classifications (1 of 4 stars). 3 submissions from 3 submitters: Uncertain significance (1); Likely benign (2). Last evaluated 2026-05-27.

Conditions:
Hereditary cancer-predisposing syndrome. Also called: Neoplastic Syndromes, Hereditary; Hereditary Cancer Syndrome; Hereditary neoplastic syndrome; Tumor predisposition. Identifiers: Orphanet 140162, MedGen C0027672, MeSH D009386, MONDO:0015356.
Gastrointestinal stromal tumor. Also called: Gastrointestinal stromal tumor, somatic; Gastrointestinal stroma tumor. Identifiers: Orphanet 44890, MedGen C0238198, MeSH D046152, MONDO:0011719, OMIM 606764, HP:0100723.

Allele frequency attached by ClinVar (database versions not stated): gnomAD exomes below 0.00001 and 0.00001; TOPMed below 0.00001; gnomAD 0.00001.
gnomAD v4.1: 17 of 1,603,574 alleles (0.0011%); highest among the groups gnomAD compares: Non-Finnish European, 0.0013%; no homozygotes.

Submissions (3):

Myriad Genetics, Inc.
Classification: Likely benign for Gastrointestinal stromal tumor. Last evaluated: 2026-05-27. Review status: criteria provided, single submitter. Criteria: Myriad Autosomal Dominant, Autosomal Recessive and X-Linked Classification Criteria (2023). Collection method: clinical testing. Allele origin: unknown.
Comment: This variant is considered likely benign. This variant is intronic and is not expected to impact mRNA splicing.

Labcorp Genetics (formerly Invitae), Labcorp
Classification: Likely benign for Gastrointestinal stromal tumor. Last evaluated: 2026-01-11. Review status: criteria provided, single submitter. Criteria: Invitae Variant Classification Sherloc (09022015). Collection method: clinical testing. Allele origin: germline.

Ambry Genetics
Classification: Uncertain significance for Hereditary cancer-predisposing syndrome. Last evaluated: 2025-02-13. Review status: criteria provided, single submitter. Criteria: Ambry Variant Classification Scheme 2023. Collection method: clinical testing. Allele origin: germline.
Comment: The c.1232-5T>C intronic variant results from a T to C substitution 5 nucleotides upstream from coding exon 8 in the KIT gene. This nucleotide position is well conserved in available vertebrate species. In silico splice site analysis predicts that this alteration will not have any significant effect on splicing. Based on the available evidence, the clinical significance of this variant remains unclear.

NM_000222.3(KIT):c.1232-5T>C

Gene: KIT (KIT proto-oncogene, receptor tyrosine kinase; plus strand). Cytogenetic location: 4q12.
Variant type: single nucleotide variant.
Coding change: c.1232-5T>C on transcript NM_000222.3 (MANE Select); 5 bases into the intron before coding-DNA position 1232, T replaced by C.
Molecular consequence: intron variant.
Genome position (GRCh38, 1-based): chr4:54,723,579, T>C. VCF-style: chr4-54723579-T-C. GRCh37 (hg19) VCF-style: chr4-55589745-T-C.
Other names: c.1235-5T>C (NM_001385284.1, NM_001385290.1, NM_001385288.1 and 1 more transcripts); c.1232-5T>C (NM_001385285.1, NM_001093772.2, NM_001385286.1).
Identifiers: ClinVar variation 789418 (VCV000789418.17), dbSNP rs1355467895, ClinGen allele CA551368527.